The following is an entry in ClinVar:

NM_005631.5(SMO):c.1164G>C (p.Gly388=)

Gene: SMO (smoothened, frizzled class receptor; plus strand). Cytogenetic location: 7q32.1.
Variant type: single nucleotide variant.
Coding change: c.1164G>C on transcript NM_005631.5 (MANE Select); coding-DNA position 1164, G replaced by C.
Protein change: p.Gly388=; no amino-acid change (glycine 388 retained).
Molecular consequence: synonymous variant.
Genome position (GRCh38, 1-based): chr7:129,206,487, G>C. VCF-style: chr7-129206487-G-C. GRCh37 (hg19) VCF-style: chr7-128846328-G-C.
Identifiers: ClinVar variation 403462 (VCV000403462.9), dbSNP rs2228617, ClinGen allele CA4479316.

ClinVar aggregate classification (germline): Benign. Review status: criteria provided, multiple submitters, no conflicts (2 of 4 stars). 4 submissions from 4 submitters: Benign (4). Last evaluated 2021-07-15.

Conditions:
Congenital hypothalamic hamartoma syndrome. Also called: PALLISTER-HALL-LIKE SYNDROME. Identifiers: MedGen C5435677, MONDO:0009436, OMIM 241800.

Allele frequency attached by ClinVar (database versions not stated): 1000 Genomes Project 30x 0.75593; 1000 Genomes Project 0.75619; TOPMed 0.77878; gnomAD 0.78508 and 0.78614; ESP Exome Variant Server 0.78964; ExAC 0.79749; gnomAD exomes 0.79806 and 0.82524.
gnomAD v4.1: 1,325,595 of 1,613,838 alleles (82%); highest among the groups gnomAD compares: Middle Eastern, 88%; 546,321 homozygotes.

Submissions (4):

Genome-Nilou Lab
Classification: Benign for Congenital hypothalamic hamartoma syndrome. Last evaluated: 2021-07-15. Review status: criteria provided, single submitter. Criteria: ACMG Guidelines, 2015. Collection method: clinical testing. Allele origin: germline. Affected: no.

GeneDx
Classification: Benign. Last evaluated: 2019-01-14. Review status: criteria provided, single submitter. Criteria: GeneDx Variant Classification Process June 2021. Collection method: clinical testing. Allele origin: germline. Affected: yes.

Laboratory for Molecular Medicine, Mass General Brigham Personalized Medicine
Classification: Benign. Last evaluated: 2016-03-29. Review status: criteria provided, single submitter. Criteria: LMM Criteria. Collection method: clinical testing. Allele origin: germline.
Comment: Variant identified in a genome or exome case(s) and assessed due to predicted null impact of the variant or pathogenic assertions in the literature or databases. Disclaimer: This variant has not undergone full assessment. The following are preliminary notes: Frequency

Breakthrough Genomics
Classification: Benign. Review status: criteria provided, single submitter. Criteria: ACMG Guidelines, 2015. Collection method: not provided. Allele origin: germline. Inheritance: Autosomal recessive inheritance. Affected: yes.